The following is an entry in ClinVar:

ClinVar aggregate classification (germline): Benign. Review status: criteria provided, multiple submitters, no conflicts (2 of 4 stars). 4 submissions from 2 submitters: Benign (4). Last evaluated 2018-01-12.

Conditions:
Retinitis pigmentosa (RP). Identifiers: Orphanet 791, MedGen C0035334, MeSH D012174, MONDO:0019200, OMIM 268000. Inheritance: Autosomal dominant, autosomal recessive and X linked inheritance.
Cone-rod dystrophy 2 (CORD2). Also called: CONE-ROD RETINAL DYSTROPHY; Cone-rod retinal dystrophy 2. Identifiers: Orphanet 1872, MedGen C3489532, MONDO:0007362, OMIM 120970.
Leber congenital amaurosis 7 (LCA7). Identifiers: Orphanet 65, MedGen C3151192, MONDO:0013449, OMIM 613829.

Allele frequency attached by ClinVar (database versions not stated): 1000 Genomes Project 0.26697; 1000 Genomes Project 30x 0.27374; gnomAD exomes 0.31461; TOPMed 0.35110.
gnomAD v4.1: 53,585 of 152,040 alleles (35%); highest among the groups gnomAD compares: Non-Finnish European, 40%; 9,836 homozygotes.

Submissions (4):

Illumina Laboratory Services, Illumina
Classification: Benign for Retinitis pigmentosa. Last evaluated: 2018-01-12. Review status: criteria provided, single submitter. Criteria: ICSL Variant Classification Criteria 13 December 2019. Collection method: clinical testing. Allele origin: germline.
Comment: This variant was observed in the ICSL laboratory as part of a predisposition screen in an ostensibly healthy population. It had not been previously curated by ICSL or reported in the Human Gene Mutation Database (HGMD: prior to June 1st, 2018), and was therefore a candidate for classification through an automated scoring system. Utilizing variant allele frequency, disease prevalence and penetrance estimates, and inheritance mode, an automated score was calculated to assess if this variant is too frequent to cause the disease. Based on the score and internal cut-off values, a variant classified as benign is not then subjected to further curation. The score for this variant resulted in a classification of benign for this disease.

Illumina Laboratory Services, Illumina
Classification: Benign for Leber congenital amaurosis 7. Last evaluated: 2018-01-12. Review status: criteria provided, single submitter. Criteria: ICSL Variant Classification Criteria 13 December 2019. Collection method: clinical testing. Allele origin: germline.
Comment: the same text as in the submission from Illumina Laboratory Services, Illumina above.

Illumina Laboratory Services, Illumina
Classification: Benign for Cone-rod dystrophy 2. Last evaluated: 2018-01-12. Review status: criteria provided, single submitter. Criteria: ICSL Variant Classification Criteria 13 December 2019. Collection method: clinical testing. Allele origin: germline.
Comment: the same text as in the submission from Illumina Laboratory Services, Illumina above.

Breakthrough Genomics
Classification: Benign. Review status: criteria provided, single submitter. Criteria: ACMG Guidelines, 2015. Collection method: not provided. Allele origin: germline. Inheritance: Autosomal dominant inheritance. Affected: yes.

NM_000554.6(CRX):c.*2937T>C

Gene: CRX (cone-rod homeobox; plus strand). Cytogenetic location: 19q13.33.
Variant type: single nucleotide variant.
Coding change: c.*2937T>C on transcript NM_000554.6 (MANE Select); 2937 bases downstream of the stop codon, T replaced by C.
Molecular consequence: 3 prime UTR variant.
Genome position (GRCh38, 1-based): chr19:47,842,904, T>C. VCF-style: chr19-47842904-T-C. GRCh37 (hg19) VCF-style: chr19-48346161-T-C.
Identifiers: ClinVar variation 329777 (VCV000329777.6), dbSNP rs7248427, ClinGen allele CA10652176.